The following is an entry in ClinVar:

ClinVar aggregate classification (germline): Uncertain significance. Review status: criteria provided, multiple submitters, no conflicts (2 of 4 stars). 2 submissions from 2 submitters: Uncertain significance (2). Last evaluated 2025-01-27.

Conditions:
Pancreatic adenocarcinoma. Identifiers: MedGen C0281361, MONDO:0006047, HP:0006725.

Allele frequency attached by ClinVar (database versions not stated): gnomAD 0.00001; TOPMed 0.00002.

Submissions (2):

Ambry Genetics
Classification: Uncertain significance. Last evaluated: 2025-01-27. Review status: criteria provided, single submitter. Criteria: Ambry Variant Classification Scheme 2023. Collection method: clinical testing. Allele origin: germline.
Comment: The p.P65R variant (also known as c.194C>G), located in coding exon 1 of the PALLD gene, results from a C to G substitution at nucleotide position 194. The proline at codon 65 is replaced by arginine, an amino acid with dissimilar properties. This amino acid position is conserved. In addition, this alteration is predicted to be tolerated by in silico analysis. Based on the available evidence, the clinical significance of this variant remains unclear.

Labcorp Genetics (formerly Invitae), Labcorp
Classification: Uncertain significance for Pancreatic adenocarcinoma. Last evaluated: 2022-08-09. Review status: criteria provided, single submitter. Criteria: Invitae Variant Classification Sherloc (09022015). Collection method: clinical testing. Allele origin: germline.
Comment: This sequence change replaces proline, which is neutral and non-polar, with arginine, which is basic and polar, at codon 65 of the PALLD protein (p.Pro65Arg). In summary, the available evidence is currently insufficient to determine the role of this variant in disease. Therefore, it has been classified as a Variant of Uncertain Significance. Algorithms developed to predict the effect of missense changes on protein structure and function (SIFT, PolyPhen-2, Align-GVGD) all suggest that this variant is likely to be disruptive. ClinVar contains an entry for this variant (Variation ID: 661972). This variant has not been reported in the literature in individuals affected with PALLD-related conditions. This variant is not present in population databases (gnomAD no frequency).

NM_001166108.2(PALLD):c.1965-12837C>G

Gene: PALLD (palladin, cytoskeletal associated protein; plus strand). Cytogenetic location: 4q32.3.
Variant type: single nucleotide variant.
Coding change: c.1965-12837C>G on transcript NM_001166108.2 (MANE Select); 12837 bases into the intron before coding-DNA position 1965, C replaced by G.
Molecular consequence: intron variant. On other transcripts: missense variant (1).
Genome position (GRCh38, 1-based): chr4:168,878,085, C>G. VCF-style: chr4-168878085-C-G. GRCh37 (hg19) VCF-style: chr4-169799236-C-G.
Other names: c.194C>G, p.Pro65Arg (NM_001166110.2); c.1965-12837C>G (NM_016081.4); c.819-12837C>G (NM_001166109.2); c.-157-12837C>G (NM_001367570.1, NM_001367568.1, NM_001367567.1 and 1 more transcripts); short protein forms P65R.
Identifiers: ClinVar variation 661972 (VCV000661972.10), dbSNP rs1581871066, ClinGen allele CA358795479.